The following is an entry in ClinVar:

ClinVar aggregate classification (germline): Uncertain significance. Review status: criteria provided, multiple submitters, no conflicts (2 of 4 stars). 2 submissions from 2 submitters: Uncertain significance (2). Last evaluated 2026-01-03.

Conditions:
Inborn genetic diseases. Identifiers: MedGen C0950123, MeSH D030342.
Fanconi anemia (FA). Also called: Fanconi's anemia. Identifiers: Orphanet 84, MedGen C0015625, MeSH D005199, MONDO:0019391.

gnomAD v4.1: 1 of 1,613,840 alleles (0.000062%); no homozygotes.

Submissions (2):

Ambry Genetics
Classification: Uncertain significance for Inborn genetic diseases. Last evaluated: 2026-01-03. Review status: criteria provided, single submitter. Criteria: Ambry Variant Classification Scheme 2023. Collection method: clinical testing. Allele origin: germline.
Comment: The p.A1646G variant (also known as c.4937C>G), located in coding exon 20 of the FANCM gene, results from a C to G substitution at nucleotide position 4937. The alanine at codon 1646 is replaced by glycine, an amino acid with similar properties. This amino acid position is conserved. In addition, this alteration is predicted to be tolerated by in silico analysis. Based on the available evidence, the clinical significance of this variant remains unclear.

Labcorp Genetics (formerly Invitae), Labcorp
Classification: Uncertain significance for Fanconi anemia. Last evaluated: 2025-01-12. Review status: criteria provided, single submitter. Criteria: Invitae Variant Classification Sherloc (09022015). Collection method: clinical testing. Allele origin: germline.
Comment: This sequence change replaces alanine, which is neutral and non-polar, with glycine, which is neutral and non-polar, at codon 1646 of the FANCM protein (p.Ala1646Gly). This variant is not present in population databases (gnomAD no frequency). This variant has not been reported in the literature in individuals affected with FANCM-related conditions. An algorithm developed to predict the effect of missense changes on protein structure and function (PolyPhen-2) suggests that this variant is likely to be disruptive. In summary, the available evidence is currently insufficient to determine the role of this variant in disease. Therefore, it has been classified as a Variant of Uncertain Significance.

NM_020937.4(FANCM):c.4937C>G (p.Ala1646Gly)

Gene: FANCM (FA complementation group M; plus strand). Cytogenetic location: 14q21.2.
Variant type: single nucleotide variant.
Coding change: c.4937C>G on transcript NM_020937.4 (MANE Select); coding-DNA position 4937, C replaced by G.
Protein change: p.Ala1646Gly; replaces alanine 1646 with glycine.
Molecular consequence: missense variant.
Genome position (GRCh38, 1-based): chr14:45,188,959, C>G. VCF-style: chr14-45188959-C-G. GRCh37 (hg19) VCF-style: chr14-45658162-C-G.
Other names: c.4859C>G, p.Ala1620Gly (NM_001308133.2); short protein forms A1620G, A1646G.
Identifiers: ClinVar variation 3674646 (VCV003674646.3).